The following is an entry in ClinVar:

ClinVar aggregate classification (germline): Uncertain significance (1 of 4 stars; one submission).

Conditions:
Progressive microcephaly-seizures-cortical blindness-developmental delay syndrome. Also called: Seizures, cortical blindness, and microcephaly syndrome. Identifiers: Orphanet 477814, MedGen C5567650, MONDO:0014714, OMIM 616632.
Autosomal dominant nonsyndromic hearing loss 1. Also called: DEAFNESS, AUTOSOMAL DOMINANT 1, WITH OR WITHOUT THROMBOCYTOPENIA; KONIGSMARK SYNDROME. Identifiers: Orphanet 90635, MedGen C1852282, MONDO:0007424, OMIM 124900.

Submission:

Labcorp Genetics (formerly Invitae), Labcorp
Classification: Uncertain significance for Progressive microcephaly-seizures-cortical blindness-developmental delay syndrome; Autosomal dominant nonsyndromic hearing loss 1. Last evaluated: 2024-11-28. Review status: criteria provided, single submitter. Criteria: Invitae Variant Classification Sherloc (09022015). Collection method: clinical testing. Allele origin: germline.
Comment: This sequence change replaces valine, which is neutral and non-polar, with methionine, which is neutral and non-polar, at codon 950 of the DIAPH1 protein (p.Val950Met). This variant is present in population databases (no rsID available, gnomAD 0.007%). This variant has not been reported in the literature in individuals affected with DIAPH1-related conditions. An algorithm developed to predict the effect of missense changes on protein structure and function (PolyPhen-2) suggests that this variant is likely to be disruptive. In summary, the available evidence is currently insufficient to determine the role of this variant in disease. Therefore, it has been classified as a Variant of Uncertain Significance.

NM_005219.5(DIAPH1):c.2848G>A (p.Val950Met)

Gene: DIAPH1 (diaphanous related formin 1; minus strand). Cytogenetic location: 5q31.3.
Variant type: single nucleotide variant.
Coding change: c.2848G>A on transcript NM_005219.5 (MANE Select); coding-DNA position 2848, G replaced by A.
Protein change: p.Val950Met; replaces valine 950 with methionine.
Molecular consequence: missense variant.
Genome position (GRCh38, 1-based): chr5:141,528,872, C>T on the plus strand (G>A on the coding strand, the complement: DIAPH1 is on the minus strand). VCF-style: chr5-141528872-C-T. GRCh37 (hg19) VCF-style: chr5-140908439-C-T.
Other names: c.2821G>A, p.Val941Met (NM_001079812.3); c.2848G>A, p.Val950Met (NM_001314007.2); short protein forms V941M, V950M.
Identifiers: ClinVar variation 3760987 (VCV003760987.2).